The following is an entry in ClinVar:

NM_014956.5(CEP164):c.3727G>A (p.Glu1243Lys)

Gene: CEP164 (centrosomal protein 164; plus strand). Cytogenetic location: 11q23.3.
Variant type: single nucleotide variant.
Coding change: c.3727G>A on transcript NM_014956.5 (MANE Select); coding-DNA position 3727, G replaced by A.
Protein change: p.Glu1243Lys; replaces glutamic acid 1243 with lysine.
Molecular consequence: missense variant. On other transcripts: intron variant (1).
Genome position (GRCh38, 1-based): chr11:117,409,007, G>A. VCF-style: chr11-117409007-G-A. GRCh37 (hg19) VCF-style: chr11-117279723-G-A.
Other names: c.3733+3G>A (NM_001271933.2); short protein forms E1243K.
Identifiers: ClinVar variation 933424 (VCV000933424.9), dbSNP rs2047016520, ClinGen allele CA382742663.
Genomic context (GRCh38, chr11:117,409,007, plus strand): 5'-CTCAGTGACATGGACAGCCTGAGCAGTGAAAGTTCTGAATCTTTTTCCCCGCCTCACCGT[G>A]AGTGGTGGCGGCAGCAGAGGAGTGAGTGGGGGAGATGCGGGGTGAGGACCATGGTATCCA-3'
Protein context (NP_055771.4, residues 1233-1253): SSESFSPPHR[Glu1243Lys]WWRQQRIDST

ClinVar aggregate classification (germline): Uncertain significance (1 of 4 stars; one submission).

Conditions:
Nephronophthisis 15 (NPHP15). Identifiers: Orphanet 3156, MedGen C3541853, MONDO:0013917, OMIM 614845.

Submission:

Labcorp Genetics (formerly Invitae), Labcorp
Classification: Uncertain significance for Nephronophthisis 15. Last evaluated: 2023-04-05. Review status: criteria provided, single submitter. Criteria: Invitae Variant Classification Sherloc (09022015). Collection method: clinical testing. Allele origin: germline.
Comment: In summary, the available evidence is currently insufficient to determine the role of this variant in disease. Therefore, it has been classified as a Variant of Uncertain Significance. Algorithms developed to predict the effect of sequence changes on RNA splicing suggest that this variant may disrupt the consensus splice site. Advanced modeling of protein sequence and biophysical properties (such as structural, functional, and spatial information, amino acid conservation, physicochemical variation, residue mobility, and thermodynamic stability) performed at Invitae indicates that this missense variant is not expected to disrupt CEP164 protein function. ClinVar contains an entry for this variant (Variation ID: 933424). This variant has not been reported in the literature in individuals affected with CEP164-related conditions. This variant is not present in population databases (gnomAD no frequency). This sequence change replaces glutamic acid, which is acidic and polar, with lysine, which is basic and polar, at codon 1243 of the CEP164 protein (p.Glu1243Lys).